The following is an entry in ClinVar:

ClinVar aggregate classification (germline): Likely benign. Review status: criteria provided, single submitter (1 of 4 stars). 2 submissions from 2 submitters: Likely benign (1). 1 of the submissions does not count toward it. Last evaluated 2025-11-17.

Conditions:
LAMA5-related disorder. Also called: LAMA5-related condition; LAMA5-Related Disorders.

Allele frequency attached by ClinVar (database versions not stated): ExAC 0.00001; gnomAD exomes 0.00002; TOPMed 0.00003; gnomAD 0.00004.
gnomAD v4.1: 35 of 1,609,516 alleles (0.0022%); highest among the groups gnomAD compares: Middle Eastern, 0.033%; no homozygotes.

Submissions (2):

Labcorp Genetics (formerly Invitae), Labcorp
Classification: Likely benign. Last evaluated: 2025-11-17. Review status: criteria provided, single submitter. Criteria: Invitae Variant Classification Sherloc (09022015). Collection method: clinical testing. Allele origin: germline.

PreventionGenetics, part of Exact Sciences
Classification: Likely benign for LAMA5-related condition. Last evaluated: 2023-04-08. Review status: no assertion criteria provided. Collection method: clinical testing. Allele origin: germline. Not counted in ClinVar's aggregate classification.
Comment: This variant is classified as likely benign based on ACMG/AMP sequence variant interpretation guidelines (Richards et al. 2015 PMID: 25741868, with internal and published modifications).

NM_005560.6(LAMA5):c.9369C>T (p.Arg3123=)

Gene: LAMA5 (laminin subunit alpha 5; minus strand). Cytogenetic location: 20q13.33.
Variant type: single nucleotide variant.
Coding change: c.9369C>T on transcript NM_005560.6 (MANE Select); coding-DNA position 9369, C replaced by T.
Protein change: p.Arg3123=; no amino-acid change (arginine 3123 retained).
Molecular consequence: synonymous variant.
Genome position (GRCh38, 1-based): chr20:62,312,308, G>A on the plus strand (C>T on the coding strand, the complement: LAMA5 is on the minus strand). VCF-style: chr20-62312308-G-A. GRCh37 (hg19) VCF-style: chr20-60887364-G-A.
Other names: c.9369C>T (NM_005560.4).
Identifiers: ClinVar variation 1607358 (VCV001607358.10), dbSNP rs761156593, ClinGen allele CA9940267.